The following is an entry in ClinVar:

ClinVar aggregate classification (germline): Uncertain significance (1 of 4 stars; one submission).

Submission:

Labcorp Genetics (formerly Invitae), Labcorp
Classification: Uncertain significance. Last evaluated: 2024-02-17. Review status: criteria provided, single submitter. Criteria: Invitae Variant Classification Sherloc (09022015). Collection method: clinical testing. Allele origin: germline.
Comment: This sequence change replaces histidine, which is basic and polar, with proline, which is neutral and non-polar, at codon 188 of the NYX protein (p.His188Pro). This variant is not present in population databases (gnomAD no frequency). This variant has not been reported in the literature in individuals affected with NYX-related conditions. Advanced modeling of protein sequence and biophysical properties (such as structural, functional, and spatial information, amino acid conservation, physicochemical variation, residue mobility, and thermodynamic stability) performed at Invitae indicates that this missense variant is not expected to disrupt NYX protein function with a negative predictive value of 80%. In summary, the available evidence is currently insufficient to determine the role of this variant in disease. Therefore, it has been classified as a Variant of Uncertain Significance.

NM_001378477.3(NYX):c.548A>C (p.His183Pro)

Gene: NYX (nyctalopin; plus strand). Cytogenetic location: Xp11.4.
Variant type: single nucleotide variant.
Coding change: c.548A>C on transcript NM_001378477.3 (MANE Select); coding-DNA position 548, A replaced by C.
Protein change: p.His183Pro; replaces histidine 183 with proline.
Molecular consequence: missense variant.
Genome position (GRCh38, 1-based): chrX:41,474,016, A>C. VCF-style: chrX-41474016-A-C. GRCh37 (hg19) VCF-style: chrX-41333269-A-C.
Other names: c.548A>C, p.His183Pro (NM_022567.3); short protein forms H183P.
Identifiers: ClinVar variation 3637931 (VCV003637931.2).